The following is an entry in ClinVar:

NM_024782.3(NHEJ1):c.767A>T (p.Gln256Leu)

Genes: NHEJ1 (non-homologous end joining factor 1; minus strand), LOC126806516 (BRD4-independent group 4 enhancer GRCh37_chr2:219941606-219942805; plus strand). Cytogenetic location: 2q35.
Variant type: single nucleotide variant.
Coding change: c.767A>T on transcript NM_024782.3 (MANE Select); coding-DNA position 767, A replaced by T.
Protein change: p.Gln256Leu; replaces glutamine 256 with leucine.
Molecular consequence: missense variant. On other transcripts: non-coding transcript variant (1).
Genome position (GRCh38, 1-based): chr2:219,077,304, T>A on the plus strand (A>T on the coding strand, the complement: NHEJ1 is on the minus strand). VCF-style: chr2-219077304-T-A. GRCh37 (hg19) VCF-style: chr2-219942026-T-A.
Other names: c.767A>T, p.Gln256Leu (NM_001377498.1); c.782A>T, p.Gln261Leu (NM_001377499.1); short protein forms Q256L, Q261L.
Identifiers: ClinVar variation 378272 (VCV000378272.14), dbSNP rs35270667, ClinGen allele CA2116864.
Genomic context (GRCh38, chr2:219,077,304, plus strand): 5'-ACCGTGGACTCTTTCTCAGGTGCTGAGAGGGTTGGGGCTGAGGAGACCAGTTGTTCTGGC[T>A]GGTTTACACATTGGCTATCGATTCCTTGCAGGGAAGCACTGTTTGAGGTATGAGGATCTC-3'
Protein context (NP_079058.1, residues 246-266): LQGIDSQCVN[Gln256Leu]PEQLVSSAPT

ClinVar aggregate classification (germline): Benign/Likely benign. Review status: criteria provided, multiple submitters, no conflicts (2 of 4 stars). 4 submissions from 4 submitters: Benign (3); Likely benign (1). Last evaluated 2026-02-02.

Conditions:
Cernunnos-XLF deficiency (IMD124). Also called: NHEJ1 SYNDROME; Severe combined immunodeficiency with sensitivity to ionizing radiation due to NHEJ1 deficiency; SCID, autosomal recessive, T cell-negative, B cell-negative, NK cell-positive, and sensitivity to ionizing radiation due to NHEJ1 deficiency; IMMUNODEFICIENCY 124, SEVERE COMBINED; SCID, AUTOSOMAL RECESSIVE, T CELL-NEGATIVE, B CELL-NEGATIVE, NK CELL-POSITIVE, WITH MICROCEPHALY, GROWTH RETARDATION, AND SENSITIVITY TO IONIZING RADIATION. Identifiers: Orphanet 169079, MedGen C1969799, MONDO:0012650, OMIM 611291.

Allele frequency attached by ClinVar (database versions not stated): gnomAD exomes 0.00095 and 0.00234; ExAC 0.00299; 1000 Genomes Project 0.00739; 1000 Genomes Project 30x 0.00796; gnomAD 0.00982 and 0.01058; TOPMed 0.01159; ESP Exome Variant Server 0.01169.
gnomAD v4.1: 2,929 of 1,614,124 alleles (0.18%); highest among the groups gnomAD compares: African/African-American, 3.5%; 47 homozygotes.

Submissions (4):

Labcorp Genetics (formerly Invitae), Labcorp
Classification: Benign for Cernunnos-XLF deficiency. Last evaluated: 2026-02-02. Review status: criteria provided, single submitter. Criteria: Invitae Variant Classification Sherloc (09022015). Collection method: clinical testing. Allele origin: germline.

Women's Health and Genetics/Laboratory Corporation of America, LabCorp
Classification: Likely benign. Last evaluated: 2026-01-23. Review status: criteria provided, single submitter. Criteria: LabCorp Variant Classification Summary - May 2015. Collection method: clinical testing. Allele origin: germline.

GeneDx
Classification: Benign. Last evaluated: 2015-09-04. Review status: criteria provided, single submitter. Criteria: GeneDx Variant Classification (06012015). Collection method: clinical testing. Allele origin: germline. Affected: yes.
Comment: This variant is considered likely benign or benign based on one or more of the following criteria: it is a conservative change, it occurs at a poorly conserved position in the protein, it is predicted to be benign by multiple in silico algorithms, and/or has population frequency not consistent with disease.

Breakthrough Genomics
Classification: Benign. Review status: criteria provided, single submitter. Criteria: ACMG Guidelines, 2015. Collection method: not provided. Allele origin: germline. Inheritance: Unknown mechanism. Affected: yes.